The following is an entry in ClinVar:

NM_203468.3(ENTPD2):c.1170del (p.Gln391fs)

Gene: ENTPD2 (ectonucleoside triphosphate diphosphohydrolase 2; minus strand). Cytogenetic location: 9q34.3.
Variant type: Deletion.
Coding change: c.1170del on transcript NM_203468.3 (MANE Select); coding-DNA position 1170, one base deleted (G; older notation c.1170delG).
Protein change: p.Gln391fs; shifts the reading frame from glutamine 391.
Molecular consequence: frameshift variant. On other transcripts: intron variant (1).
Genome position (GRCh38, 1-based): chr9:137,049,055, C deleted on the plus strand (G on the coding strand, the reverse complement: ENTPD2 is on the minus strand); the first of 3 consecutive C bases (chr9:137,049,055-137,049,057); deleting any one gives the same sequence. VCF-style (leftmost placement, unchanged base first): chr9-137049054-GC-G. GRCh37 (hg19) VCF-style: chr9-139943506-GC-G.
Other names: c.1150-49del (NM_001246.4); c.1170delG (NM_203468.3); short protein forms Q391fs.
Identifiers: ClinVar variation 3256927 (VCV003256927.1).

ClinVar aggregate classification (germline): Likely pathogenic (1 of 4 stars; one submission).

Conditions:
Susceptibility to severe COVID-19.

Submission:

Molecular Medicine Center, Medical University of Sofia
Classification: Likely pathogenic for Susceptibility to severe COVID-19. Last evaluated: 2024-07-22. Review status: criteria provided, single submitter. Criteria: ACMG Guidelines, 2015. Collection method: research. Allele origin: germline. Affected: yes.
Comment: Novel (unreported in gnomAD or dbSNP until April 2024) variant found in severely infected COVID-19 Bulgarian patients in a research study. Variant is classified as likely pathogenic according to the ACMG criteria: PM2,PVS1.